The following is an entry in ClinVar:

ClinVar aggregate classification (germline): Pathogenic (1 of 4 stars; one submission).

Submission:

Labcorp Genetics (formerly Invitae), Labcorp
Classification: Pathogenic. Last evaluated: 2024-11-18. Review status: criteria provided, single submitter. Criteria: Invitae Variant Classification Sherloc (09022015). Collection method: clinical testing. Allele origin: germline.
Comment: This sequence change creates a premature translational stop signal (p.Glu230*) in the TONSL gene. It is expected to result in an absent or disrupted protein product. Loss-of-function variants in TONSL are known to be pathogenic (PMID: 30773277). This variant is not present in population databases (gnomAD no frequency). This variant has not been reported in the literature in individuals affected with TONSL-related conditions. For these reasons, this variant has been classified as Pathogenic.

Literature cited by the submitters: PubMed 30773277.

NM_013432.5(TONSL):c.688G>T (p.Glu230Ter)

Gene: TONSL (tonsoku like, DNA repair protein; minus strand). Cytogenetic location: 8q24.3.
Variant type: single nucleotide variant.
Coding change: c.688G>T on transcript NM_013432.5 (MANE Select); coding-DNA position 688, G replaced by T.
Protein change: p.Glu230Ter; replaces glutamic acid 230 with a stop codon.
Molecular consequence: nonsense.
Genome position (GRCh38, 1-based): chr8:144,442,303, C>A on the plus strand (G>T on the coding strand, the complement: TONSL is on the minus strand). VCF-style: chr8-144442303-C-A. GRCh37 (hg19) VCF-style: chr8-145667686-C-A.
Other names: short protein forms E230*.
Identifiers: ClinVar variation 3655745 (VCV003655745.2).